The following is an entry in ClinVar:

ClinVar aggregate classification (germline): Uncertain significance (1 of 4 stars; one submission).

Submission:

Labcorp Genetics (formerly Invitae), Labcorp
Classification: Uncertain significance. Last evaluated: 2022-04-21. Review status: criteria provided, single submitter. Criteria: Invitae Variant Classification Sherloc (09022015). Collection method: clinical testing. Allele origin: germline.
Comment: In summary, the available evidence is currently insufficient to determine the role of this variant in disease. Therefore, it has been classified as a Variant of Uncertain Significance. Algorithms developed to predict the effect of missense changes on protein structure and function are either unavailable or do not agree on the potential impact of this missense change (SIFT: "Tolerated"; PolyPhen-2: "Probably Damaging"; Align-GVGD: "Class C0"). This sequence change replaces proline, which is neutral and non-polar, with serine, which is neutral and polar, at codon 420 of the ALPK3 protein (p.Pro420Ser). This variant is not present in population databases (gnomAD no frequency). This variant has not been reported in the literature in individuals affected with ALPK3-related conditions.

NM_020778.5(ALPK3):c.652C>T (p.Pro218Ser)

Gene: ALPK3 (alpha kinase 3; plus strand). Cytogenetic location: 15q25.3.
Variant type: single nucleotide variant.
Coding change: c.652C>T on transcript NM_020778.5 (MANE Select); coding-DNA position 652, C replaced by T.
Protein change: p.Pro218Ser; replaces proline 218 with serine.
Molecular consequence: missense variant.
Genome position (GRCh38, 1-based): chr15:84,839,931, C>T. VCF-style: chr15-84839931-C-T. GRCh37 (hg19) VCF-style: chr15-85383162-C-T.
Other names: short protein forms P218S.
Identifiers: ClinVar variation 2128895 (VCV002128895.4), dbSNP rs1963638864, ClinGen allele CA393373233.